The following is an entry in ClinVar:

NM_001848.3(COL6A1):c.2066+2T>C

Gene: COL6A1 (collagen type VI alpha 1 chain; plus strand). Cytogenetic location: 21q22.3.
Variant type: single nucleotide variant.
Coding change: c.2066+2T>C on transcript NM_001848.3 (MANE Select); the canonical splice donor site of the intron after coding-DNA position 2066, T replaced by C.
Molecular consequence: splice donor variant.
Genome position (GRCh38, 1-based): chr21:46,002,072, T>C. VCF-style: chr21-46002072-T-C. GRCh37 (hg19) VCF-style: chr21-47421986-T-C.
Identifiers: ClinVar variation 852270 (VCV000852270.8), dbSNP rs2077849329, ClinGen allele CA410535272.

ClinVar aggregate classification (germline): Likely pathogenic (1 of 4 stars; one submission).

Conditions:
Bethlem myopathy 1A. Also called: MYOPATHY, BENIGN CONGENITAL, WITH CONTRACTURES; Bethlem myopathy 1; Bethlem Muscular Dystrophy. Identifiers: Orphanet 610, MedGen CN029274, MONDO:0024530, OMIM 158810.

Submission:

Labcorp Genetics (formerly Invitae), Labcorp
Classification: Likely pathogenic for Bethlem myopathy 1A. Last evaluated: 2019-03-07. Review status: criteria provided, single submitter. Criteria: Invitae Variant Classification Sherloc (09022015). Collection method: clinical testing. Allele origin: germline.
Comment: In summary, the currently available evidence indicates that the variant is pathogenic, but additional data are needed to prove that conclusively. Therefore, this variant has been classified as Likely Pathogenic. Donor and acceptor splice site variants typically lead to a loss of protein function (PMID: 16199547), and loss-of-function variants in COL6A1 are known to be pathogenic (PMID: 21280092, 20976770). In addition, donor and acceptor splice site variants in COL6A1 that result in in-frame exon skipping have also been reported to cause autosomal dominant COL6A1-related conditions (PMID: 18366090). This variant has not been reported in the literature in individuals with COL6A1-related conditions. This variant is not present in population databases (ExAC no frequency). This sequence change affects a donor splice site in intron 31 of the COL6A1 gene. It is expected to disrupt RNA splicing and likely results in an absent or disrupted protein product.

Literature cited by the submitters: PubMed 16199547; PubMed 21280092; PubMed 20976770; PubMed 18366090.